The following is an entry in ClinVar:

NM_002317.7(LOX):c.772G>A (p.Asp258Asn)

Genes: SRFBP1 (serum response factor binding protein 1; plus strand), LOX (lysyl oxidase; minus strand). Cytogenetic location: 5q23.1.
Variant type: single nucleotide variant.
Coding change: c.772G>A on transcript NM_002317.7 (MANE Select); coding-DNA position 772, G replaced by A.
Protein change: p.Asp258Asn; replaces aspartic acid 258 with asparagine.
Molecular consequence: missense variant. On other transcripts: 5 prime UTR variant (1).
Genome position (GRCh38, 1-based): chr5:122,075,510, C>T on the plus strand (G>A on the coding strand, the complement: LOX is on the minus strand). VCF-style: chr5-122075510-C-T. GRCh37 (hg19) VCF-style: chr5-121411205-C-T.
Other names: c.82G>A, p.Asp28Asn (NM_001178102.2); c.-120G>A (NM_001317073.1); short protein forms D258N, D28N.
Identifiers: ClinVar variation 2576860 (VCV002576860.2), dbSNP rs2532911543, ClinGen allele CA360882241.
Genomic context (GRCh38, chr5:122,075,510, plus strand): 5'-AGAAATCTGATGTCCCTTGGTTTTTCACTCTTTGGGGAAATCTGAGCAGCACCCTGTGAT[C>T]ATAATCTCTGACATCTGCCCTGTATGCTGTACTGTGATTTTGAAAAAAGAAAAATTATTA-3'
Protein context (NP_002308.2, residues 248-268): TAYRADVRDY[Asp258Asn]HRVLLRFPQR

ClinVar aggregate classification (germline): Uncertain significance. Review status: criteria provided, multiple submitters, no conflicts (2 of 4 stars). 2 submissions from 2 submitters: Uncertain significance (2). Last evaluated 2024-05-23.

Conditions:
Aortic aneurysm, familial thoracic 10 (AAT10). Identifiers: MedGen C4284414, MONDO:0014950, OMIM 617168.

Allele frequency attached by ClinVar (database versions not stated): gnomAD exomes below 0.00001.
gnomAD v4.1: 1 of 1,612,262 alleles (0.000062%); highest among the groups gnomAD compares: Non-Finnish European, 0.000085%; no homozygotes.

Submissions (2):

Fulgent Genetics
Classification: Uncertain significance for Aortic aneurysm, familial thoracic 10. Last evaluated: 2024-05-23. Review status: criteria provided, single submitter. Criteria: ACMG Guidelines, 2015. Collection method: clinical testing. Allele origin: germline.

GeneDx
Classification: Uncertain significance. Last evaluated: 2023-02-16. Review status: criteria provided, single submitter. Criteria: GeneDx Variant Classification Process June 2021. Collection method: clinical testing. Allele origin: germline. Affected: yes.
Comment: Not observed at significant frequency in large population cohorts (gnomAD); In silico analysis supports that this missense variant has a deleterious effect on protein structure/function; Has not been previously published as pathogenic or benign to our knowledge